The following is an entry in ClinVar:

NM_000256.3(MYBPC3):c.241G>C (p.Val81Leu)

Gene: MYBPC3 (myosin binding protein C3; minus strand). Cytogenetic location: 11p11.2.
Variant type: single nucleotide variant.
Coding change: c.241G>C on transcript NM_000256.3 (MANE Select); coding-DNA position 241, G replaced by C.
Protein change: p.Val81Leu; replaces valine 81 with leucine.
Molecular consequence: missense variant.
Genome position (GRCh38, 1-based): chr11:47,351,290, C>G on the plus strand (G>C on the coding strand, the complement: MYBPC3 is on the minus strand). VCF-style: chr11-47351290-C-G. GRCh37 (hg19) VCF-style: chr11-47372841-C-G.
Other names: short protein forms V81L.
Identifiers: ClinVar variation 1387669 (VCV001387669.7), dbSNP rs999833111, ClinGen allele CA380341630.
Genomic context (GRCh38, chr11:47,351,290, plus strand): 5'-GGATCTTACCTGCCTCTATGACCTTGAGGTCGAACTTGACCTTGGAGGAGCCAGCAATGA[C>G]TGCGTAAGATCCCTGGTCGGCAGGGCCCACTTCCCGCACTGTCAGCGTATGCCGTGTGCC-3'
Protein context (NP_000247.2, residues 71-91): VGPADQGSYA[Val81Leu]IAGSSKVKFD

ClinVar aggregate classification (germline): Uncertain significance. Review status: criteria provided, multiple submitters, no conflicts (2 of 4 stars). 2 submissions from 2 submitters: Uncertain significance (2). Last evaluated 2024-01-03.

Conditions:
Hypertrophic cardiomyopathy. Also called: HYPERTROPHIC MYOCARDIOPATHY. Identifiers: Orphanet 217569, MedGen C0007194, MeSH D002312, MONDO:0005045, HP:0001639.

gnomAD v4.1: 3 of 1,567,108 alleles (0.00019%); highest among the groups gnomAD compares: South Asian, 0.0023%; no homozygotes.

Submissions (2):

All of Us Research Program, National Institutes of Health
Classification: Uncertain significance for Hypertrophic cardiomyopathy. Last evaluated: 2024-01-03. Review status: criteria provided, single submitter. Criteria: ACMG Guidelines, 2015. Collection method: clinical testing. Allele origin: germline. Inheritance: Autosomal dominant inheritance. Observed: 1 variant allele, 1 heterozygote.
Comment: This missense variant replaces valine with leucine at codon 81 of the MYBPC3 protein. Computational prediction tools indicate that this variant has a neutral impact on protein structure and function. To our knowledge, functional studies have not been reported for this variant. This variant has not been reported in individuals affected with MYBPC3-related disorders in the literature. This variant has not been identified in the general population by the Genome Aggregation Database (gnomAD). The available evidence is insufficient to determine the role of this variant in disease conclusively. Therefore, this variant is classified as a Variant of Uncertain Significance.

This study involves interpretation of variants in research participants for the purpose of population health screening. Participant phenotype was not available at the time of variant classification. Additional details can be found in publication PMID: 35346344, PMCID: PMC8962531

Labcorp Genetics (formerly Invitae), Labcorp
Classification: Uncertain significance for Hypertrophic cardiomyopathy. Last evaluated: 2021-08-07. Review status: criteria provided, single submitter. Criteria: Invitae Variant Classification Sherloc (09022015). Collection method: clinical testing. Allele origin: germline.
Comment: This sequence change replaces valine with leucine at codon 81 of the MYBPC3 protein (p.Val81Leu). The valine residue is highly conserved and there is a small physicochemical difference between valine and leucine. This variant is not present in population databases (ExAC no frequency). This variant has not been reported in the literature in individuals affected with MYBPC3-related conditions. Algorithms developed to predict the effect of missense changes on protein structure and function are either unavailable or do not agree on the potential impact of this missense change (SIFT: "Deleterious"; PolyPhen-2: "Possibly Damaging"; Align-GVGD: "Class C0"). In summary, the available evidence is currently insufficient to determine the role of this variant in disease. Therefore, it has been classified as a Variant of Uncertain Significance.